The following is an entry in ClinVar:

NM_002075.4(GNB3):c.742G>T (p.Ala248Ser)

Genes: CDCA3 (cell division cycle associated 3; minus strand), GNB3 (G protein subunit beta 3; plus strand). Cytogenetic location: 12p13.31.
Variant type: single nucleotide variant.
Coding change: c.742G>T on transcript NM_002075.4 (MANE Select); coding-DNA position 742, G replaced by T.
Protein change: p.Ala248Ser; replaces alanine 248 with serine.
Molecular consequence: missense variant. On other transcripts: 3 prime UTR variant (1).
Genome position (GRCh38, 1-based): chr12:6,845,628, G>T. VCF-style: chr12-6845628-G-T. GRCh37 (hg19) VCF-style: chr12-6954792-G-T.
Other names: c.739G>T, p.Ala247Ser (NM_001297571.2); c.*1160C>A (NM_001297603.3); short protein forms A248S, A247S.
Identifiers: ClinVar variation 1467519 (VCV001467519.7), dbSNP rs372895359, ClinGen allele CA6417658.
Genomic context (GRCh38, chr12:6,845,628, plus strand): 5'-TGCCACCCGTGCCCTCAGTTCTTCCCCAATGGAGAGGCCATCTGCACGGGCTCGGATGAC[G>T]CTTCCTGCCGCTTGTTTGACCTGCGGGCAGACCAGGAGCTGATCTGCTTCTCCCACGAGA-3'
Protein context (NP_002066.1, residues 238-258): GEAICTGSDD[Ala248Ser]SCRLFDLRAD

ClinVar aggregate classification (germline): Uncertain significance. Review status: criteria provided, multiple submitters, no conflicts (2 of 4 stars). 2 submissions from 2 submitters: Uncertain significance (2). Last evaluated 2025-08-04.

Conditions:
Inborn genetic diseases. Identifiers: MedGen C0950123, MeSH D030342.

Allele frequency attached by ClinVar (database versions not stated): TOPMed 0.00001.
gnomAD v4.1: 3 of 1,613,340 alleles (0.00019%); highest among the groups gnomAD compares: Admixed American, 0.005%; no homozygotes.

Submissions (2):

Ambry Genetics
Classification: Uncertain significance for Inborn genetic diseases. Last evaluated: 2025-08-04. Review status: criteria provided, single submitter. Criteria: Ambry Variant Classification Scheme 2023. Collection method: clinical testing. Allele origin: germline.

Labcorp Genetics (formerly Invitae), Labcorp
Classification: Uncertain significance. Last evaluated: 2022-07-06. Review status: criteria provided, single submitter. Criteria: Invitae Variant Classification Sherloc (09022015). Collection method: clinical testing. Allele origin: germline.
Comment: In summary, the available evidence is currently insufficient to determine the role of this variant in disease. Therefore, it has been classified as a Variant of Uncertain Significance. Algorithms developed to predict the effect of missense changes on protein structure and function (SIFT, PolyPhen-2, Align-GVGD) all suggest that this variant is likely to be tolerated. ClinVar contains an entry for this variant (Variation ID: 1467519). This variant has not been reported in the literature in individuals affected with GNB3-related conditions. The frequency data for this variant in the population databases is considered unreliable, as metrics indicate poor data quality at this position in the gnomAD database. This sequence change replaces alanine, which is neutral and non-polar, with serine, which is neutral and polar, at codon 248 of the GNB3 protein (p.Ala248Ser).